The following is an entry in ClinVar:

ClinVar aggregate classification (germline): Uncertain significance (1 of 4 stars; one submission).

Conditions:
Arrhythmogenic right ventricular dysplasia 11. Also called: Arrhythmogenic Right Ventricular Dysplasia/Cardiomyopathy11; ARRHYTHMOGENIC RIGHT VENTRICULAR DYSPLASIA, FAMILIAL, 11; Arrhythmogenic right ventricular dysplasia 11 with mild palmoplantar keratoderma and woolly hair. Identifiers: MedGen C1864850, MONDO:0012506, OMIM 610476.

Allele frequency attached by ClinVar (database versions not stated): TOPMed 0.00001; gnomAD exomes below 0.00001.
gnomAD v4.1: 1 of 1,613,712 alleles (0.000062%); highest among the groups gnomAD compares: Admixed American, 0.0017%; no homozygotes.

Submission:

Labcorp Genetics (formerly Invitae), Labcorp
Classification: Uncertain significance for Arrhythmogenic right ventricular dysplasia 11. Last evaluated: 2020-02-05. Review status: criteria provided, single submitter. Criteria: Invitae Variant Classification Sherloc (09022015). Collection method: clinical testing. Allele origin: germline.
Comment: Algorithms developed to predict the effect of missense changes on protein structure and function are either unavailable or do not agree on the potential impact of this missense change (SIFT: "Tolerated"; PolyPhen-2: "Probably Damaging"; Align-GVGD: "Class C0"). In summary, the available evidence is currently insufficient to determine the role of this variant in disease. Therefore, it has been classified as a Variant of Uncertain Significance. This variant has not been reported in the literature in individuals with DSC2-related conditions. This variant is not present in population databases (ExAC no frequency). This sequence change replaces valine with methionine at codon 371 of the DSC2 protein (p.Val371Met). The valine residue is highly conserved and there is a small physicochemical difference between valine and methionine.

NM_024422.6(DSC2):c.1111G>A (p.Val371Met)

Gene: DSC2 (desmocollin 2; minus strand). Cytogenetic location: 18q12.1.
Variant type: single nucleotide variant.
Coding change: c.1111G>A on transcript NM_024422.6 (MANE Select); coding-DNA position 1111, G replaced by A.
Protein change: p.Val371Met; replaces valine 371 with methionine.
Molecular consequence: missense variant.
Genome position (GRCh38, 1-based): chr18:31,082,390, C>T on the plus strand (G>A on the coding strand, the complement: DSC2 is on the minus strand). VCF-style: chr18-31082390-C-T. GRCh37 (hg19) VCF-style: chr18-28662356-C-T.
Other names: c.1111G>A, p.Val371Met (NM_004949.5); short protein forms V371M.
Identifiers: ClinVar variation 1045284 (VCV001045284.9), dbSNP rs1252791235, ClinGen allele CA402109982.